The following is an entry in ClinVar:

ClinVar aggregate classification (germline): Conflicting classifications of pathogenicity. Review status: criteria provided, conflicting classifications (1 of 4 stars). 8 submissions from 8 submitters: Uncertain significance (1); Benign (1); Likely benign (4). 2 of the submissions do not count toward it. Last evaluated 2026-07-27.

Conditions:
DSTYK-related disorder. Also called: DSTYK-related condition.
Congenital anomalies of kidney and urinary tract 1. Also called: Congenital anomalies of kidney and urinary tract 1, susceptibility to; Renal hypodysplasia, nonsyndromic, 1. Identifiers: MedGen C1835826, MONDO:0012561, OMIM 610805.

Allele frequency attached by ClinVar (database versions not stated): gnomAD 0.00073 and 0.00065; 1000 Genomes Project 0.00080; TOPMed 0.00091; gnomAD exomes 0.00101; ExAC 0.00104; 1000 Genomes Project 30x 0.00125.

Submissions (8):

PreventionGenetics, part of Exact Sciences
Classification: Likely benign for DSTYK-related condition. Last evaluated: 2026-07-27. Review status: criteria provided, single submitter. Criteria: ACMG Guidelines, 2015. Collection method: clinical testing. Allele origin: germline.
Comment: This variant is classified as likely benign based on ACMG/AMP sequence variant interpretation guidelines (Richards et al. 2015 PMID: 25741868, with internal and published modifications).

Labcorp Genetics (formerly Invitae), Labcorp
Classification: Likely benign. Last evaluated: 2025-11-04. Review status: criteria provided, single submitter. Criteria: Invitae Variant Classification Sherloc (09022015). Collection method: clinical testing. Allele origin: germline.

CeGaT Center for Human Genetics Tuebingen
Classification: Likely benign. Last evaluated: 2025-08-01. Review status: criteria provided, single submitter. Criteria: CeGaT Center For Human Genetics Tuebingen Variant Classification Criteria Version 2. Collection method: clinical testing. Allele origin: germline. Affected: yes. Observed: 3 variant alleles.
Comment: DSTYK: PP3, BS2

Women's Health and Genetics/Laboratory Corporation of America, LabCorp
Classification: Uncertain significance. Last evaluated: 2025-03-17. Review status: criteria provided, single submitter. Criteria: LabCorp Variant Classification Summary - May 2015. Collection method: clinical testing. Allele origin: germline.
Comment: Variant summary: DSTYK c.86G>A (p.Arg29Gln) results in a conservative amino acid change in the encoded protein sequence. Three of five in-silico tools predict a damaging effect of the variant on protein function. The variant allele was found at a frequency of 0.001 in 220688 control chromosomes, predominantly at a frequency of 0.0019 within the South Asian subpopulation in the gnomAD database. This frequency is not significantly higher than estimated for a pathogenic variant in DSTYK causing DSTYK Related Disorders, allowing no conclusion about variant significance. c.86G>A has been reported in the literature in individuals affected with congenital abnormalities of the kidney and urinary tract (Sanna-Cherchi_2013). These report(s) do not provide unequivocal conclusions about association of the variant with DSTYK Related Disorders. To our knowledge, no experimental evidence demonstrating an impact on protein function has been reported. ClinVar contains an entry for this variant (Variation ID: 60687). Based on the evidence outlined above, the variant was classified as uncertain significance.

Genomic Research Center, Shahid Beheshti University of Medical Sciences
Classification: Likely benign. Last evaluated: 2020-05-03. Review status: criteria provided, single submitter. Criteria: ACMG Guidelines, 2015. Collection method: clinical testing. Allele origin: unknown. Affected: yes.

Mendelics
Classification: Benign for Congenital anomalies of kidney and urinary tract 1. Last evaluated: 2019-05-28. Review status: criteria provided, single submitter. Criteria: Mendelics Assertion Criteria 2017. Collection method: clinical testing. Allele origin: unknown.

OMIM
Classification: Pathogenic for CONGENITAL ANOMALIES OF KIDNEY AND URINARY TRACT 1. Last evaluated: 2013-08-15. Review status: no assertion criteria provided. Collection method: literature only. Allele origin: germline. Not counted in ClinVar's aggregate classification.

Department of Pathology and Laboratory Medicine, Sinai Health System
Classification: Uncertain significance. Review status: no assertion criteria provided. Collection method: clinical testing. Allele origin: unknown. Affected: yes. Study: The Canadian Open Genetics Repository (COGR). Not counted in ClinVar's aggregate classification.
Comment: The DSTYK p.Arg29Gln variant was identified in 3 of 622 proband chromosomes (frequency: 0.0048) from individuals with congenital abnormalities of the kidney and urinary tract and was not identified in 768 control chromosomes from healthy individuals (Sanna-Cherchi_2013_PMID:23862974). The variant was identified in dbSNP (ID: rs200780796) and ClinVar (classified as likely benign by Invitae and benign by Mendelics). The variant was identified in control databases in 228 of 252060 chromosomes at a frequency of 0.0009045 increasing the likelihood this could be a low frequency benign variant (Genome Aggregation Database March 6, 2019, v2.1.1). The variant was observed in the following populations: Ashkenazi Jewish in 75 of 9706 chromosomes (freq: 0.007727), South Asian in 54 of 28984 chromosomes (freq: 0.001863), European (non-Finnish) in 75 of 114366 chromosomes (freq: 0.000656), Other in 4 of 6568 chromosomes (freq: 0.000609), Latino in 19 of 33852 chromosomes (freq: 0.000561) and African in 1 of 22128 chromosomes (freq: 0.000045), but was not observed in the East Asian or European (Finnish) populations. The p.Arg29 residue is conserved in mammals and computational analyses (PolyPhen-2, SIFT, AlignGVGD, BLOSUM, MutationTaster) provide inconsistent predictions regarding the impact to the protein; this information is not very predictive of pathogenicity. The variant occurs outside of the splicing consensus sequence and in silico or computational prediction software programs (SpliceSiteFinder, MaxEntScan, NNSPLICE, GeneSplicer) do not predict a difference in splicing. In summary, based on the above information the clinical significance of this variant cannot be determined with certainty at this time. This variant is classified as a variant of uncertain significance.

Literature cited by the submitters: PubMed 23862974 (cited by Women's Health and Genetics/Laboratory Corporation of America, LabCorp and OMIM).

NM_015375.3(DSTYK):c.86G>A (p.Arg29Gln)

Gene: DSTYK (dual serine/threonine and tyrosine protein kinase; minus strand). Cytogenetic location: 1q32.1.
Variant type: single nucleotide variant.
Coding change: c.86G>A on transcript NM_015375.3 (MANE Select); coding-DNA position 86, G replaced by A.
Protein change: p.Arg29Gln; replaces arginine 29 with glutamine.
Molecular consequence: missense variant.
Genome position (GRCh38, 1-based): chr1:205,211,450, C>T on the plus strand (G>A on the coding strand, the complement: DSTYK is on the minus strand). VCF-style: chr1-205211450-C-T. GRCh37 (hg19) VCF-style: chr1-205180578-C-T.
Other names: c.86G>A, p.Arg29Gln (NM_199462.3); short protein forms R29Q.
Identifiers: ClinVar variation 60687 (VCV000060687.54), dbSNP rs200780796, ClinGen allele CA144624.
Genomic context (GRCh38, chr1:205,211,450, plus strand): 5'-TGGGTCTCGCGCAGGTTCTGTCGCAGCCGTCCCAGGTAGCGGCGGTAGCGGCCGAAGCCC[C>T]GGCACAGCTCGCGGATCATTCCGCCGCCGCCGGGGCCGGGACCCGAGACGGGCTCGCTGC-3'
Protein context (NP_056190.1, residues 19-39): GGGGMIRELC[Arg29Gln]GFGRYRRYLG